The following is an entry in ClinVar:

NM_000416.3(IFNGR1):c.*128G>T

Gene: IFNGR1 (interferon gamma receptor 1; minus strand). Cytogenetic location: 6q23.3.
Variant type: single nucleotide variant.
Coding change: c.*128G>T on transcript NM_000416.3 (MANE Select); 128 bases downstream of the stop codon, G replaced by T.
Molecular consequence: 3 prime UTR variant.
Genome position (GRCh38, 1-based): chr6:137,197,903, C>A on the plus strand (G>T on the coding strand, the complement: IFNGR1 is on the minus strand). VCF-style: chr6-137197903-C-A. GRCh37 (hg19) VCF-style: chr6-137519040-C-A.
Other names: c.*128G>T (NM_001363526.1, NM_001363527.1).
Identifiers: ClinVar variation 355550 (VCV000355550.5), dbSNP rs7769141, ClinGen allele CA10621523.

ClinVar aggregate classification (germline): Likely benign (1 of 4 stars; one submission).

Conditions:
Immunodeficiency 27A (IMD27A). Also called: IMMUNODEFICIENCY 27A, MYCOBACTERIOSIS, AUTOSOMAL RECESSIVE; IFNGR1 DEFICIENCY, AUTOSOMAL RECESSIVE. Identifiers: Orphanet 319569, Orphanet 99898, MedGen C4011949, MONDO:0008856, OMIM 209950.

Allele frequency attached by ClinVar (database versions not stated): gnomAD exomes 0.00018; TOPMed 0.00184; gnomAD 0.00202 and 0.00213; 1000 Genomes Project 30x 0.00281; 1000 Genomes Project 0.00300.
gnomAD v4.1: 527 of 1,239,116 alleles (0.043%); highest among the groups gnomAD compares: African/African-American, 0.64%; 2 homozygotes.

Submission:

Illumina Laboratory Services, Illumina
Classification: Likely benign for Immunodeficiency 27A. Last evaluated: 2018-01-13. Review status: criteria provided, single submitter. Criteria: ICSL Variant Classification Criteria 13 December 2019. Collection method: clinical testing. Allele origin: germline.
Comment: This variant was observed in the ICSL laboratory as part of a predisposition screen in an ostensibly healthy population. It had not been previously curated by ICSL or reported in the Human Gene Mutation Database (HGMD: prior to June 1st, 2018), and was therefore a candidate for classification through an automated scoring system. Utilizing variant allele frequency, disease prevalence and penetrance estimates, and inheritance mode, an automated score was calculated to assess if this variant is too frequent to cause the disease. Based on the score and internal cut-off values, a variant classified as likely benign is not then subjected to further curation. The score for this variant resulted in a classification of likely benign for this disease.